The following is an entry in ClinVar:

ClinVar aggregate classification (germline): Uncertain significance (1 of 4 stars; one submission).

Allele frequency attached by ClinVar (database versions not stated): gnomAD exomes below 0.00001.
gnomAD v4.1: 1 of 1,612,432 alleles (0.000062%); highest among the groups gnomAD compares: Non-Finnish European, 0.000085%; no homozygotes.

Submission:

GeneDx
Classification: Uncertain significance. Last evaluated: 2017-09-22. Review status: criteria provided, single submitter. Criteria: GeneDx Variant Classification (06012015). Collection method: clinical testing. Allele origin: germline. Affected: yes.
Comment: The L99P variant has not been published as a pathogenic variant, nor has it been reported as a benign variant to our knowledge. The L99P variant is not observed in large population cohorts (Lek et al., 2016). The L99P variant is a semi-conservative amino acid substitution, which may impact secondary protein structure as these residues differ in some properties. This substitution occurs at a position that is not conserved. In silico analysis predicts this variant is probably damaging to the protein structure/function. In summary, based on the currently available information, it is unclear whether this variant is a pathogenic variant or a rare benign variant.

NM_025136.4(OPA3):c.296T>C (p.Leu99Pro)

Genes: OPA3 (outer mitochondrial membrane lipid metabolism regulator OPA3; minus strand), OPA3-RTN2 (OPA3-RTN2 readthrough; minus strand). Cytogenetic location: 19q13.32.
Variant type: single nucleotide variant.
Coding change: c.296T>C on transcript NM_025136.4 (MANE Select); coding-DNA position 296, T replaced by C.
Protein change: p.Leu99Pro; replaces leucine 99 with proline.
Molecular consequence: missense variant. On other transcripts: intron variant (1).
Genome position (GRCh38, 1-based): chr19:45,553,758, A>G on the plus strand (T>C on the coding strand, the complement: OPA3 is on the minus strand). VCF-style: chr19-45553758-A-G. GRCh37 (hg19) VCF-style: chr19-46057016-A-G.
Other names: c.143-24302T>C (NM_001017989.3); short protein forms L99P.
Identifiers: ClinVar variation 503516 (VCV000503516.1), dbSNP rs1555732924, ClinGen allele CA406370887.